The following is an entry in ClinVar:

ClinVar aggregate classification (germline): Benign/Likely benign. Review status: criteria provided, multiple submitters, no conflicts (2 of 4 stars). 6 submissions from 6 submitters: Benign (4); Likely benign (2). Last evaluated 2026-01-28.

Conditions:
Primary ciliary dyskinesia. Also called: Ciliary dyskinesia. Identifiers: Orphanet 244, MedGen C0008780, MONDO:0016575, HP:0012265.
Primary ciliary dyskinesia 7. Also called: CILIARY DYSKINESIA, PRIMARY, 7, WITH OR WITHOUT SITUS INVERSUS. Identifiers: Orphanet 244, MedGen C2678473, MONDO:0012748, OMIM 611884.

Allele frequency attached by ClinVar (database versions not stated): gnomAD exomes 0.00178; ExAC 0.00214; 1000 Genomes Project 0.00659; gnomAD 0.00700 and 0.00739; TOPMed 0.00774; 1000 Genomes Project 30x 0.00781; ESP Exome Variant Server 0.00819.
gnomAD v4.1: 2,187 of 1,613,728 alleles (0.14%); highest among the groups gnomAD compares: African/African-American, 2.7%; 26 homozygotes.

Submissions (6):

Labcorp Genetics (formerly Invitae), Labcorp
Classification: Benign for Primary ciliary dyskinesia. Last evaluated: 2026-01-28. Review status: criteria provided, single submitter. Criteria: Invitae Variant Classification Sherloc (09022015). Collection method: clinical testing. Allele origin: germline.

ARUP Laboratories, Molecular Genetics and Genomics, ARUP Laboratories
Classification: Benign for Primary ciliary dyskinesia 7. Last evaluated: 2024-06-10. Review status: criteria provided, single submitter. Criteria: ARUP Molecular Germline Variant Investigation Process 2024. Collection method: clinical testing. Allele origin: germline.

GeneDx
Classification: Likely benign. Last evaluated: 2023-11-15. Review status: criteria provided, single submitter. Criteria: GeneDx Variant Classification Process June 2021. Collection method: clinical testing. Allele origin: germline. Affected: yes.
Comment: See Variant Classification Assertion Criteria.

Fulgent Genetics
Classification: Likely benign for Primary ciliary dyskinesia 7. Last evaluated: 2021-09-16. Review status: criteria provided, single submitter. Criteria: ACMG Guidelines, 2015. Collection method: clinical testing. Allele origin: unknown.

Ambry Genetics
Classification: Benign for Primary ciliary dyskinesia. Last evaluated: 2017-04-17. Review status: criteria provided, single submitter. Criteria: Ambry Variant Classification Scheme 2023. Collection method: clinical testing. Allele origin: germline.

PreventionGenetics, part of Exact Sciences
Classification: Benign. Review status: criteria provided, single submitter. Criteria: ACMG Guidelines, 2015. Collection method: clinical testing. Allele origin: germline.

NM_001277115.2(DNAH11):c.8188G>T (p.Gly2730Cys)

Gene: DNAH11 (dynein axonemal heavy chain 11; plus strand). Cytogenetic location: 7p15.3.
Variant type: single nucleotide variant.
Coding change: c.8188G>T on transcript NM_001277115.2 (MANE Select); coding-DNA position 8188, G replaced by T.
Protein change: p.Gly2730Cys; replaces glycine 2730 with cysteine.
Molecular consequence: missense variant.
Genome position (GRCh38, 1-based): chr7:21,744,471, G>T. VCF-style: chr7-21744471-G-T. GRCh37 (hg19) VCF-style: chr7-21784089-G-T.
Other names: short protein forms G2730C.
Identifiers: ClinVar variation 238931 (VCV000238931.18), dbSNP rs28549882, ClinGen allele CA4181505.